The following is an entry in ClinVar:

NM_152564.5(VPS13B):c.4456A>G (p.Ile1486Val)

Gene: VPS13B (vacuolar protein sorting 13 homolog B; plus strand). Cytogenetic location: 8q22.2.
Variant type: single nucleotide variant.
Coding change: c.4456A>G on transcript NM_152564.5 (MANE Select); coding-DNA position 4456, A replaced by G.
Protein change: p.Ile1486Val; replaces isoleucine 1486 with valine.
Molecular consequence: missense variant.
Genome position (GRCh38, 1-based): chr8:99,511,335, A>G. VCF-style: chr8-99511335-A-G. GRCh37 (hg19) VCF-style: chr8-100523563-A-G.
Other names: c.4531A>G, p.Ile1511Val (NM_017890.5); short protein forms I1486V, I1511V.
Identifiers: ClinVar variation 1440972 (VCV001440972.7), dbSNP rs370519991, ClinGen allele CA4823537.

ClinVar aggregate classification (germline): Uncertain significance (1 of 4 stars; one submission).

Conditions:
Cohen syndrome (COH1). Also called: PEPPER SYNDROME; Cutis verticis gyrata, retinitis pigmentosa, and sensorineural deafness. Identifiers: Orphanet 193, MedGen C0265223, MONDO:0008999, OMIM 216550.

Allele frequency attached by ClinVar (database versions not stated): gnomAD exomes below 0.00001 and 0.00002; ExAC 0.00001; gnomAD 0.00001; ESP Exome Variant Server 0.00008.
gnomAD v4.1: 31 of 1,613,804 alleles (0.0019%); highest among the groups gnomAD compares: Non-Finnish European, 0.0025%; no homozygotes.

Submission:

Labcorp Genetics (formerly Invitae), Labcorp
Classification: Uncertain significance for Cohen syndrome. Last evaluated: 2024-07-29. Review status: criteria provided, single submitter. Criteria: Invitae Variant Classification Sherloc (09022015). Collection method: clinical testing. Allele origin: germline.
Comment: This sequence change replaces isoleucine, which is neutral and non-polar, with valine, which is neutral and non-polar, at codon 1511 of the VPS13B protein (p.Ile1511Val). This variant is present in population databases (rs370519991, gnomAD 0.0009%). This variant has not been reported in the literature in individuals affected with VPS13B-related conditions. ClinVar contains an entry for this variant (Variation ID: 1440972). Advanced modeling of protein sequence and biophysical properties (such as structural, functional, and spatial information, amino acid conservation, physicochemical variation, residue mobility, and thermodynamic stability) performed at Invitae indicates that this missense variant is not expected to disrupt VPS13B protein function with a negative predictive value of 80%. In summary, the available evidence is currently insufficient to determine the role of this variant in disease. Therefore, it has been classified as a Variant of Uncertain Significance.